The following is an entry in ClinVar:

NM_021922.3(FANCE):c.1459A>G (p.Met487Val)

Gene: FANCE (FA complementation group E; plus strand). Cytogenetic location: 6p21.31.
Variant type: single nucleotide variant.
Coding change: c.1459A>G on transcript NM_021922.3 (MANE Select); coding-DNA position 1459, A replaced by G.
Protein change: p.Met487Val; replaces methionine 487 with valine.
Molecular consequence: missense variant.
Genome position (GRCh38, 1-based): chr6:35,462,864, A>G. VCF-style: chr6-35462864-A-G. GRCh37 (hg19) VCF-style: chr6-35430641-A-G.
Other names: short protein forms M487V.
Identifiers: ClinVar variation 241392 (VCV000241392.8), dbSNP rs373735272, ClinGen allele CA3771719.

ClinVar aggregate classification (germline): Uncertain significance. Review status: criteria provided, multiple submitters, no conflicts (2 of 4 stars). 3 submissions from 3 submitters: Uncertain significance (3). Last evaluated 2025-08-11.

Conditions:
Inborn genetic diseases. Identifiers: MedGen C0950123, MeSH D030342.
Fanconi anemia complementation group E (FANCE). Also called: FANCE-Related Fanconi Anemia. Identifiers: Orphanet 84, MedGen C3160739, MONDO:0010953, OMIM 600901.

Allele frequency attached by ClinVar (database versions not stated): gnomAD exomes below 0.00001 and 0.00001; gnomAD 0.00001; ExAC 0.00002; TOPMed 0.00002; ESP Exome Variant Server 0.00008.
gnomAD v4.1: 6 of 1,614,122 alleles (0.00037%); highest among the groups gnomAD compares: South Asian, 0.0011%; no homozygotes.

Submissions (3):

Ambry Genetics
Classification: Uncertain significance for Inborn genetic diseases. Last evaluated: 2025-08-11. Review status: criteria provided, single submitter. Criteria: Ambry Variant Classification Scheme 2023. Collection method: clinical testing. Allele origin: germline.

Labcorp Genetics (formerly Invitae), Labcorp
Classification: Uncertain significance for Fanconi anemia complementation group E. Last evaluated: 2022-05-12. Review status: criteria provided, single submitter. Criteria: Invitae Variant Classification Sherloc (09022015). Collection method: clinical testing. Allele origin: germline.
Comment: This sequence change replaces methionine, which is neutral and non-polar, with valine, which is neutral and non-polar, at codon 487 of the FANCE protein (p.Met487Val). This variant is present in population databases (rs373735272, gnomAD 0.002%). This variant has not been reported in the literature in individuals affected with FANCE-related conditions. ClinVar contains an entry for this variant (Variation ID: 241392). Algorithms developed to predict the effect of missense changes on protein structure and function output the following: SIFT: "Tolerated"; PolyPhen-2: "Benign"; Align-GVGD: "Class C0". The valine amino acid residue is found in multiple mammalian species, which suggests that this missense change does not adversely affect protein function. In summary, the available evidence is currently insufficient to determine the role of this variant in disease. Therefore, it has been classified as a Variant of Uncertain Significance.

Department of Pathology and Laboratory Medicine, Sinai Health System
Classification: Uncertain significance for Fanconi anemia complementation group E. Last evaluated: 2021-07-30. Review status: criteria provided, single submitter. Criteria: ACMG Guidelines, 2015. Collection method: research. Allele origin: germline.